The following is an entry in ClinVar:

ClinVar aggregate classification (germline): Uncertain significance. Review status: criteria provided, multiple submitters, no conflicts (2 of 4 stars). 2 submissions from 2 submitters: Uncertain significance (2). Last evaluated 2021-10-25.

Conditions:
Brugada syndrome. Also called: Sudden unexpected nocturnal death syndrome; Sudden unexplained nocturnal death syndrome; Sudden Unexplained Death Syndrome; Sudden Unexplained Nocturnal Death Syndrome (SUNDS). Identifiers: Orphanet 130, MedGen C1142166, MONDO:0015263.

gnomAD v4.1: 1 of 1,614,054 alleles (0.000062%); highest among the groups gnomAD compares: Non-Finnish European, 0.000085%; no homozygotes.

Submissions (2):

Labcorp Genetics (formerly Invitae), Labcorp
Classification: Uncertain significance for Brugada syndrome. Last evaluated: 2021-10-25. Review status: criteria provided, single submitter. Criteria: Invitae Variant Classification Sherloc (09022015). Collection method: clinical testing. Allele origin: germline.
Comment: In summary, the available evidence is currently insufficient to determine the role of this variant in disease. Therefore, it has been classified as a Variant of Uncertain Significance. Advanced modeling of protein sequence and biophysical properties (such as structural, functional, and spatial information, amino acid conservation, physicochemical variation, residue mobility, and thermodynamic stability) performed at Invitae indicates that this missense variant is not expected to disrupt SCN10A protein function. This variant has not been reported in the literature in individuals affected with SCN10A-related conditions. This variant is not present in population databases (ExAC no frequency). This sequence change replaces proline with threonine at codon 51 of the SCN10A protein (p.Pro51Thr). The proline residue is highly conserved and there is a small physicochemical difference between proline and threonine.

GeneDx
Classification: Uncertain significance. Last evaluated: 2021-03-30. Review status: criteria provided, single submitter. Criteria: GeneDx Variant Classification Process June 2021. Collection method: clinical testing. Allele origin: germline. Affected: yes.
Comment: Has not been previously published as pathogenic or benign to our knowledge; Not observed in large population cohorts (Lek et al., 2016); In silico analysis supports that this missense variant has a deleterious effect on protein structure/function

NM_006514.4(SCN10A):c.151C>A (p.Pro51Thr)

Gene: SCN10A (sodium voltage-gated channel alpha subunit 10; minus strand). Cytogenetic location: 3p22.2.
Variant type: single nucleotide variant.
Coding change: c.151C>A on transcript NM_006514.4 (MANE Select); coding-DNA position 151, C replaced by A.
Protein change: p.Pro51Thr; replaces proline 51 with threonine.
Molecular consequence: missense variant.
Genome position (GRCh38, 1-based): chr3:38,793,860, G>T on the plus strand (C>A on the coding strand, the complement: SCN10A is on the minus strand). VCF-style: chr3-38793860-G-T. GRCh37 (hg19) VCF-style: chr3-38835351-G-T.
Other names: c.151C>A, p.Pro51Thr (NM_001293306.2, NM_001293307.2); short protein forms P51T.
Identifiers: ClinVar variation 1314294 (VCV001314294.7), dbSNP rs368312678, ClinGen allele CA352162946.